The following is an entry in ClinVar:

Conditions:
Breast-ovarian cancer, familial, susceptibility to, 1 (BROVCA1). Also called: BRCA1 Hereditary Breast and Ovarian Cancer; OVARIAN CANCER, SUSCEPTIBILITY TO. Identifiers: Orphanet 145, MedGen C2676676, MONDO:0011450, OMIM 604370. Disease mechanism: loss of function.

Submission:

Brotman Baty Institute, University of Washington
No classification provided (evidence only). Condition: Breast-ovarian cancer, familial 1. Review status: no classification provided. Collection method: in vitro. Allele origin: not applicable. Functional consequence: functionally_normal.
ClinVar note: "not provided" was previously submitted as the classification for the variant. However, the classification appeared to be based only on an observation of functional data so it was converted to no classification on 2025-07-30.

NM_007294.4(BRCA1):c.27A>C (p.Glu9Asp)

Gene: BRCA1 (BRCA1 DNA repair associated; minus strand). Cytogenetic location: 17q21.31.
Variant type: single nucleotide variant.
Coding change: c.27A>C on transcript NM_007294.4 (MANE Select); coding-DNA position 27, A replaced by C.
Protein change: p.Glu9Asp; replaces glutamic acid 9 with aspartic acid.
Molecular consequence: missense variant. On other transcripts: 5 prime UTR variant (1), non-coding transcript variant (1).
Genome position (GRCh38, 1-based): chr17:43,124,070, T>G on the plus strand (A>C on the coding strand, the complement: BRCA1 is on the minus strand). VCF-style: chr17-43124070-T-G. GRCh37 (hg19) VCF-style: chr17-41276087-T-G.
Other names: c.-162A>C (NM_001407953.1, NM_001407955.1, NM_001407956.1 and 46 more transcripts); c.-281A>C (NM_001407954.1, NM_001408513.1, NM_001407917.1); c.-393A>C (NM_001407965.1); c.27A>C, p.Glu9Asp (NM_001407968.1, NM_001407969.1, NM_001407970.1 and 193 more transcripts); c.-234A>C (NM_001408410.1, NM_001408452.1, NM_001408462.1 and 22 more transcripts); c.-61A>C (NM_001408454.1, NM_001408459.1, NM_001408460.1 and 23 more transcripts); c.-231A>C (NM_001408455.1, NM_001408456.1, NM_001408468.1 and 11 more transcripts); c.-235A>C (NM_001408465.1, NM_001407695.1); and 8 more; short protein forms E9D.
Identifiers: ClinVar variation 868709 (VCV000868709.3), dbSNP rs2055738370, ClinGen allele CA10602109.